The following is an entry in ClinVar:

ClinVar aggregate classification (germline): Uncertain significance (1 of 4 stars; one submission).

Conditions:
Hereditary cancer-predisposing syndrome. Also called: Neoplastic Syndromes, Hereditary; Tumor predisposition; Hereditary Cancer Syndrome; Hereditary neoplastic syndrome. Identifiers: Orphanet 140162, MedGen C0027672, MeSH D009386, MONDO:0015356.

Submission:

Ambry Genetics
Classification: Uncertain significance for Hereditary cancer-predisposing syndrome. Last evaluated: 2026-03-29. Review status: criteria provided, single submitter. Criteria: Ambry Variant Classification Scheme 2023. Collection method: clinical testing. Allele origin: germline.
Comment: The p.K253R variant (also known as c.758A>G), located in coding exon 5 of the NTHL1 gene, results from an A to G substitution at nucleotide position 758. The lysine at codon 253 is replaced by arginine, an amino acid with highly similar properties. This amino acid position is conserved. In addition, this alteration is predicted to be tolerated by in silico analysis. Based on the available evidence, the clinical significance of this variant remains unclear.

NM_002528.7(NTHL1):c.734A>G (p.Lys245Arg)

Gene: NTHL1 (nth like DNA glycosylase 1; minus strand). Cytogenetic location: 16p13.3.
Variant type: single nucleotide variant.
Coding change: c.734A>G on transcript NM_002528.7 (MANE Select); coding-DNA position 734, A replaced by G.
Protein change: p.Lys245Arg; replaces lysine 245 with arginine.
Molecular consequence: missense variant.
Genome position (GRCh38, 1-based): chr16:2,040,190, T>C on the plus strand (A>G on the coding strand, the complement: NTHL1 is on the minus strand). VCF-style: chr16-2040190-T-C. GRCh37 (hg19) VCF-style: chr16-2090191-T-C.
Other names: c.563A>G, p.Lys188Arg (NM_001318193.2); c.404A>G, p.Lys135Arg (NM_001318194.2); short protein forms K135R, K188R, K245R.
Identifiers: ClinVar variation 4861227 (VCV004861227.1).
Genomic context (GRCh38, chr16:2,040,190, plus strand): 5'-TACCTAGGCAGCCACTCCTCCAGGGCGGCGCGGGTCTCCTCTGGGGACTTGGTTGCCTTC[T>C]TGGTCCACCTCAGCCTGTTGGCGATTCTGTGCACATGCGTGTCCACTGCTGCTGGGAGGC-3'
Protein context (NP_002519.2, residues 235-255): HRIANRLRWT[Lys245Arg]KATKSPEETR